The following is an entry in ClinVar:

NM_000138.5(FBN1):c.3472G>A (p.Glu1158Lys)

Gene: FBN1 (fibrillin 1; minus strand). Cytogenetic location: 15q21.1.
Variant type: single nucleotide variant.
Coding change: c.3472G>A on transcript NM_000138.5 (MANE Select); coding-DNA position 3472, G replaced by A.
Protein change: p.Glu1158Lys; replaces glutamic acid 1158 with lysine.
Molecular consequence: missense variant.
Genome position (GRCh38, 1-based): chr15:48,487,192, C>T on the plus strand (G>A on the coding strand, the complement: FBN1 is on the minus strand). VCF-style: chr15-48487192-C-T. GRCh37 (hg19) VCF-style: chr15-48779389-C-T.
Other names: c.3472G>A, p.Glu1158Lys (NM_001406716.1); short protein forms E1158K.
Identifiers: ClinVar variation 3902828 (VCV003902828.1).

ClinVar aggregate classification (germline): Likely pathogenic (1 of 4 stars; one submission).

Conditions:
Marfan syndrome (MFS). Also called: MARFAN SYNDROME, TYPE I; Marfan syndrome type 1; Marfan's syndrome; Marfan syndrome, classic; FBN1-Related Marfan Syndrome. Identifiers: Orphanet 284963, Orphanet 558, MedGen C0024796, MONDO:0007947, OMIM 154700.

Submission:

Human Genetics Unit, University Of Colombo
Classification: Likely pathogenic for Marfan syndrome. Last evaluated: 2023-04-24. Review status: criteria provided, single submitter. Criteria: ACMG Guidelines, 2015. Collection method: clinical testing. Allele origin: germline. Affected: yes. Observed: 1 variant allele.
Comment: The NM_000138.5:c.3472G>A is a missense variant in the FBN1 gene, resulting in the substitution of glutamic acid with lysine at codon 1158 of the fibrillin-1 protein (p.Glu1158Lys). Hot-spot of length 17 amino-acids has 14 missense/in-frame variants (9 pathogenic variants, 4 uncertain variants, and 1 benign variant), which qualifies as moderate pathogenic. UniProt protein P35555 domain 'EGF-like 18' has 68 missense/in-frame variants (35 pathogenic variants, 31 uncertain variants, and 2 benign variants), which qualifies as moderate pathogenic [PM1]. Alternative variant chr15:48779388 T>C (Glu1158Gly) is classified Pathogenic by UniProt Variants [PM5]. Variant not found in gnomAD exomes, with good gnomAD exomes coverage = 76.2 [PM2]. Multiple lines of In silico analyses supports that this variant has a deleterious effect on protein structure/function [PP3]. In summary, this variant meets criteria to be classified as likely pathogenic based on ACMG/AMP guidelines: PP3_Moderate, PP4_Supporting, PM1_Moderate, PM2_Supporting and PM5_Moderate.